The following is an entry in ClinVar:

NM_000051.4(ATM):c.2068C>A (p.Leu690Met)

Gene: ATM (ATM serine/threonine kinase; plus strand). Cytogenetic location: 11q22.3.
Variant type: single nucleotide variant.
Coding change: c.2068C>A on transcript NM_000051.4 (MANE Select); coding-DNA position 2068, C replaced by A.
Protein change: p.Leu690Met; replaces leucine 690 with methionine.
Molecular consequence: missense variant.
Genome position (GRCh38, 1-based): chr11:108,253,983, C>A. VCF-style: chr11-108253983-C-A. GRCh37 (hg19) VCF-style: chr11-108124710-C-A.
Other names: c.2068C>A, p.Leu690Met (NM_001351834.2); c.2068C>A (NM_000051.3); short protein forms L690M.
Identifiers: ClinVar variation 1037011 (VCV001037011.8), dbSNP rs1555073437, ClinGen allele CA382537510.

ClinVar aggregate classification (germline): Uncertain significance. Review status: criteria provided, multiple submitters, no conflicts (2 of 4 stars). 4 submissions from 4 submitters: Uncertain significance (4). Last evaluated 2026-01-23.

Conditions:
Hereditary cancer-predisposing syndrome. Also called: Neoplastic Syndromes, Hereditary; Tumor predisposition; Hereditary Cancer Syndrome; Hereditary neoplastic syndrome. Identifiers: Orphanet 140162, MedGen C0027672, MeSH D009386, MONDO:0015356.
Ataxia-telangiectasia syndrome (AT). Also called: ATAXIA-TELANGIECTASIA, COMPLEMENTATION GROUP A; ATAXIA-TELANGIECTASIA, FRESNO VARIANT; Ataxia-telangiectasia; Ataxia-telangiectasia, complementation group D; AT, COMPLEMENTATION GROUP C; Ataxia telangiectasia (A-T). Identifiers: Orphanet 100, MedGen C0004135, MONDO:0008840, OMIM 208900.
ATM-related cancer predisposition. Also called: ATM-related cancer susceptibility. Identifiers: MedGen CN377759, MONDO:0700270.

Submissions (4):

Dasa
Classification: Uncertain significance for ATM-related cancer predisposition. Last evaluated: 2026-01-23. Review status: criteria provided, single submitter. Criteria: DASA Assertion Criteria. Collection method: clinical testing. Allele origin: germline.
Comment: NM_000051.4(ATM):c.2068C>A (p.Leu690Met) is a missense variant that results in the substitution of leucine with methionine. This variant is rare in population databases. The currently available literature and clinical evidence are not sufficient to establish a definitive association between this variant and the reported condition. Therefore, this variant is classified as a variant of uncertain significance.

Labcorp Genetics (formerly Invitae), Labcorp
Classification: Uncertain significance for Ataxia-telangiectasia syndrome. Last evaluated: 2024-01-10. Review status: criteria provided, single submitter. Criteria: Invitae Variant Classification Sherloc (09022015). Collection method: clinical testing. Allele origin: germline.
Comment: This sequence change replaces leucine, which is neutral and non-polar, with methionine, which is neutral and non-polar, at codon 690 of the ATM protein (p.Leu690Met). This variant is not present in population databases (gnomAD no frequency). This variant has not been reported in the literature in individuals affected with ATM-related conditions. ClinVar contains an entry for this variant (Variation ID: 1037011). An algorithm developed to predict the effect of missense changes on protein structure and function (PolyPhen-2) suggests that this variant is likely to be disruptive. In summary, the available evidence is currently insufficient to determine the role of this variant in disease. Therefore, it has been classified as a Variant of Uncertain Significance.

Ambry Genetics
Classification: Uncertain significance for Hereditary cancer-predisposing syndrome. Last evaluated: 2024-01-05. Review status: criteria provided, single submitter. Criteria: Ambry Variant Classification Scheme 2023. Collection method: clinical testing. Allele origin: germline.
Comment: The p.L690M variant (also known as c.2068C>A), located in coding exon 12 of the ATM gene, results from a C to A substitution at nucleotide position 2068. The leucine at codon 690 is replaced by methionine, an amino acid with highly similar properties. This amino acid position is conserved. In addition, the in silico prediction for this alteration is inconclusive. Since supporting evidence is limited at this time, the clinical significance of this alteration remains unclear.

Mendelics
Classification: Uncertain significance. Last evaluated: 2022-05-04. Review status: criteria provided, single submitter. Criteria: Mendelics Assertion Criteria 2019. Collection method: clinical testing. Allele origin: germline.